The following is an entry in ClinVar:

NM_033026.6(PCLO):c.9166G>A (p.Ala3056Thr)

Gene: PCLO (piccolo presynaptic cytomatrix protein; minus strand). Cytogenetic location: 7q21.11.
Variant type: single nucleotide variant.
Coding change: c.9166G>A on transcript NM_033026.6 (MANE Select); coding-DNA position 9166, G replaced by A.
Protein change: p.Ala3056Thr; replaces alanine 3056 with threonine.
Molecular consequence: missense variant.
Genome position (GRCh38, 1-based): chr7:82,951,422, C>T on the plus strand (G>A on the coding strand, the complement: PCLO is on the minus strand). VCF-style: chr7-82951422-C-T. GRCh37 (hg19) VCF-style: chr7-82580738-C-T.
Other names: c.9166G>A, p.Ala3056Thr (NM_014510.3); short protein forms A3056T.
Identifiers: ClinVar variation 2194252 (VCV002194252.4), dbSNP rs933510861, ClinGen allele CA161144274.

ClinVar aggregate classification (germline): Uncertain significance (1 of 4 stars; one submission).

Allele frequency attached by ClinVar (database versions not stated): TOPMed 0.00001.
gnomAD v4.1: 5 of 1,595,682 alleles (0.00031%); highest among the groups gnomAD compares: Admixed American, 0.007%; no homozygotes.

Submission:

Labcorp Genetics (formerly Invitae), Labcorp
Classification: Uncertain significance. Last evaluated: 2024-01-02. Review status: criteria provided, single submitter. Criteria: Invitae Variant Classification Sherloc (09022015). Collection method: clinical testing. Allele origin: germline.
Comment: This sequence change replaces alanine, which is neutral and non-polar, with threonine, which is neutral and polar, at codon 3056 of the PCLO protein (p.Ala3056Thr). This variant is present in population databases (no rsID available, gnomAD 0.01%). This variant has not been reported in the literature in individuals affected with PCLO-related conditions. ClinVar contains an entry for this variant (Variation ID: 2194252). Algorithms developed to predict the effect of missense changes on protein structure and function output the following: SIFT: "Not Available"; PolyPhen-2: "Not Available"; Align-GVGD: "Not Available". The threonine amino acid residue is found in multiple mammalian species, which suggests that this missense change does not adversely affect protein function. In summary, the available evidence is currently insufficient to determine the role of this variant in disease. Therefore, it has been classified as a Variant of Uncertain Significance.